The following is an entry in ClinVar:

NM_000135.4(FANCA):c.2224C>A (p.Gln742Lys)

Gene: FANCA (FA complementation group A; minus strand). Cytogenetic location: 16q24.3.
Variant type: single nucleotide variant.
Coding change: c.2224C>A on transcript NM_000135.4 (MANE Select); coding-DNA position 2224, C replaced by A.
Protein change: p.Gln742Lys; replaces glutamine 742 with lysine.
Molecular consequence: missense variant.
Genome position (GRCh38, 1-based): chr16:89,770,258, G>T on the plus strand (C>A on the coding strand, the complement: FANCA is on the minus strand). VCF-style: chr16-89770258-G-T. GRCh37 (hg19) VCF-style: chr16-89836666-G-T.
Other names: c.2224C>A, p.Gln742Lys (NM_001286167.3); short protein forms Q742K.
Identifiers: ClinVar variation 974332 (VCV000974332.1), dbSNP rs1239354393, ClinGen allele CA397446793.

ClinVar aggregate classification (germline): Pathogenic (0 of 4 stars; one submission).

Conditions:
Fanconi anemia complementation group A (FANCA). Also called: Fanconi anemia, group A; FANCA-Related Fanconi Anemia. Identifiers: Orphanet 84, MedGen C3469521, MONDO:0009215, OMIM 227650.

Submission:

Leiden Open Variation Database
Classification: Pathogenic for Fanconi anemia complementation group A. Last evaluated: 2020-02-28. Review status: no assertion criteria provided. Collection method: curation. Allele origin: germline. Affected: yes.
Comment: Curator: Arleen D. Auerbach. Submitter to LOVD: Arleen D. Auerbach.

Literature cited by the submitters: PubMed 21273304.